The following is an entry in ClinVar:

ClinVar aggregate classification (germline): Benign/Likely benign. Review status: criteria provided, multiple submitters, no conflicts (2 of 4 stars). 3 submissions from 3 submitters: Benign (1); Likely benign (2). Last evaluated 2025-11-22.

Conditions:
Adams-Oliver syndrome 5 (AOS5). Identifiers: Orphanet 974, MedGen C4014970, MONDO:0014459, OMIM 616028.
Familial thoracic aortic aneurysm and aortic dissection (TAAD). Also called: Thoracic aortic aneurysms and dissections. Identifiers: Orphanet 91387, MedGen C4707243, MONDO:0019625.

Allele frequency attached by ClinVar (database versions not stated): gnomAD 0.00002; TOPMed 0.00002; gnomAD exomes 0.00003; ExAC 0.00004.
gnomAD v4.1: 45 of 1,611,324 alleles (0.0028%); highest among the groups gnomAD compares: South Asian, 0.024%; 1 homozygote.

Submissions (3):

Labcorp Genetics (formerly Invitae), Labcorp
Classification: Benign for Adams-Oliver syndrome 5. Last evaluated: 2025-11-22. Review status: criteria provided, single submitter. Criteria: Invitae Variant Classification Sherloc (09022015). Collection method: clinical testing. Allele origin: germline.

Ambry Genetics
Classification: Likely benign for Familial thoracic aortic aneurysm and aortic dissection. Last evaluated: 2024-04-17. Review status: criteria provided, single submitter. Criteria: Ambry Variant Classification Scheme 2023. Collection method: clinical testing. Allele origin: germline.

GeneDx
Classification: Likely benign. Last evaluated: 2018-06-06. Review status: criteria provided, single submitter. Criteria: GeneDx Variant Classification (06012015). Collection method: clinical testing. Allele origin: germline. Affected: yes.
Comment: This variant is considered likely benign or benign based on one or more of the following criteria: it is a conservative change, it occurs at a poorly conserved position in the protein, it is predicted to be benign by multiple in silico algorithms, and/or has population frequency not consistent with disease.

NM_017617.5(NOTCH1):c.5913C>T (p.Ala1971=)

Gene: NOTCH1 (notch receptor 1; minus strand). Cytogenetic location: 9q34.3.
Variant type: single nucleotide variant.
Coding change: c.5913C>T on transcript NM_017617.5 (MANE Select); coding-DNA position 5913, C replaced by T.
Protein change: p.Ala1971=; no amino-acid change (alanine 1971 retained).
Molecular consequence: synonymous variant.
Genome position (GRCh38, 1-based): chr9:136,500,573, G>A on the plus strand (C>T on the coding strand, the complement: NOTCH1 is on the minus strand). VCF-style: chr9-136500573-G-A. GRCh37 (hg19) VCF-style: chr9-139395025-G-A.
Identifiers: ClinVar variation 669340 (VCV000669340.4), dbSNP rs768799805, ClinGen allele CA5340106.
Genomic context (GRCh38, chr9:136,500,573, plus strand): 5'-TGAGGAGGGCAGGTGGGCACACAGGCAGCCACTGCCTACCTGGAAGACACCTTGTGCGTC[G>A]GCAGACACAGCCGCATGCAGCGGGGTGCGGCCCATGTTGTCCTGGATGTTGGCATCTGCG-3'
Protein context (NP_060087.3, residues 1961-1981): GRTPLHAAVS[Ala1971=]DAQGVFQILI